The following is an entry in ClinVar:

NM_001382508.1(DROSHA):c.4117A>G (p.Lys1373Glu)

Gene: DROSHA (drosha ribonuclease III; minus strand). Cytogenetic location: 5p13.3.
Variant type: single nucleotide variant.
Coding change: c.4117A>G on transcript NM_001382508.1 (MANE Select); coding-DNA position 4117, A replaced by G.
Protein change: p.Lys1373Glu; replaces lysine 1373 with glutamic acid.
Molecular consequence: missense variant.
Genome position (GRCh38, 1-based): chr5:31,401,440, T>C on the plus strand (A>G on the coding strand, the complement: DROSHA is on the minus strand). VCF-style: chr5-31401440-T-C. GRCh37 (hg19) VCF-style: chr5-31401547-T-C.
Other names: c.4006A>G, p.Lys1336Glu (NM_001100412.2); c.4117A>G, p.Lys1373Glu (NM_013235.5); c.4117A>G (NM_013235.4); short protein forms K1336E, K1373E.
Identifiers: ClinVar variation 1927643 (VCV001927643.6), dbSNP rs1739983209, ClinGen allele CA359329128.
Genomic context (GRCh38, chr5:31,401,440, plus strand): 5'-CAACAGTCACAGTTACTGAGCAAGTAAATACTCCACACTTGCATGCCCTCCTTTATTTCT[T>C]GATGTCTTCAGTCTCATCTGGCTCTCTCTCTTGATGCTCTCTTTCCCACCTCATTTCTTT-3'
Protein context (NP_001369437.1, residues 1363-1374): EREPDETEDI[Lys1373Glu]K

ClinVar aggregate classification (germline): Uncertain significance. Review status: criteria provided, multiple submitters, no conflicts (2 of 4 stars). 2 submissions from 2 submitters: Uncertain significance (2). Last evaluated 2025-05-18.

Allele frequency attached by ClinVar (database versions not stated): gnomAD 0.00001.

Submissions (2):

Ambry Genetics
Classification: Uncertain significance. Last evaluated: 2025-05-18. Review status: criteria provided, single submitter. Criteria: Ambry Variant Classification Scheme 2023. Collection method: clinical testing. Allele origin: germline.

Labcorp Genetics (formerly Invitae), Labcorp
Classification: Uncertain significance. Last evaluated: 2024-02-04. Review status: criteria provided, single submitter. Criteria: Invitae Variant Classification Sherloc (09022015). Collection method: clinical testing. Allele origin: germline.
Comment: This sequence change replaces lysine, which is basic and polar, with glutamic acid, which is acidic and polar, at codon 1373 of the DROSHA protein (p.Lys1373Glu). This variant is not present in population databases (gnomAD no frequency). This variant has not been reported in the literature in individuals affected with DROSHA-related conditions. ClinVar contains an entry for this variant (Variation ID: 1927643). An algorithm developed to predict the effect of missense changes on protein structure and function (PolyPhen-2) suggests that this variant is likely to be tolerated. In summary, the available evidence is currently insufficient to determine the role of this variant in disease. Therefore, it has been classified as a Variant of Uncertain Significance.